The following is an entry in ClinVar:

NM_001292063.2(OTOG):c.6694C>T (p.Gln2232Ter)

Gene: OTOG (otogelin; plus strand). Cytogenetic location: 11p15.1.
Variant type: single nucleotide variant.
Coding change: c.6694C>T on transcript NM_001292063.2 (MANE Select); coding-DNA position 6694, C replaced by T.
Protein change: p.Gln2232Ter; replaces glutamine 2232 with a stop codon.
Molecular consequence: nonsense.
Genome position (GRCh38, 1-based): chr11:17,629,298, C>T. VCF-style: chr11-17629298-C-T. GRCh37 (hg19) VCF-style: chr11-17650845-C-T.
Other names: c.6730C>T, p.Gln2244Ter (NM_001277269.2); short protein forms Q2232*, Q2244*.
Identifiers: ClinVar variation 2034964 (VCV002034964.4), dbSNP rs2497597301, ClinGen allele CA379808318.

ClinVar aggregate classification (germline): Pathogenic (1 of 4 stars; one submission).

Submission:

Labcorp Genetics (formerly Invitae), Labcorp
Classification: Pathogenic. Last evaluated: 2022-10-09. Review status: criteria provided, single submitter. Criteria: Invitae Variant Classification Sherloc (09022015). Collection method: clinical testing. Allele origin: germline.
Comment: This variant has not been reported in the literature in individuals affected with OTOG-related conditions. This variant is not present in population databases (gnomAD no frequency). This sequence change creates a premature translational stop signal (p.Gln2244*) in the OTOG gene. It is expected to result in an absent or disrupted protein product. Loss-of-function variants in OTOG are known to be pathogenic (PMID: 23122587). Algorithms developed to predict the effect of sequence changes on RNA splicing suggest that this variant may disrupt the consensus splice site. For these reasons, this variant has been classified as Pathogenic.

Literature cited by the submitters: PubMed 23122587.